The following is an entry in ClinVar:

NM_144672.4(OTOA):c.289_300del (p.Glu97_Leu100del)

Gene: OTOA (otoancorin). Cytogenetic location: 16p12.2.
Variant type: Deletion.
Coding change: c.289_300del on transcript NM_144672.4 (MANE Select); coding-DNA positions 289 to 300, 12 bases deleted.
Protein change: p.Glu97_Leu100del.
Molecular consequence: inframe deletion.
Genome position: GRCh38 VCF-style: chr16-21685247-CCTGGAGCAGCGT-C. GRCh37 (hg19) VCF-style: chr16-21696568-CCTGGAGCAGCGT-C.
Other names: c.52_63del, p.Glu18_Leu21del (NM_001161683.2).
Identifiers: ClinVar variation 4977457 (VCV004977457.1).

ClinVar aggregate classification (germline): Uncertain significance (1 of 4 stars; one submission).

Conditions:
OTOA-related disorder. Also called: OTOA-related condition.

Submission:

PreventionGenetics, part of Exact Sciences
Classification: Uncertain significance for OTOA-related condition. Last evaluated: 2026-03-24. Review status: criteria provided, single submitter. Criteria: ACMG Guidelines, 2015. Collection method: clinical testing. Allele origin: germline.
Comment: The OTOA c.289_300del12 variant is predicted to result in an in-frame deletion (p.Glu97_Leu100del). To our knowledge, this variant has not been reported in the literature. This variant is reported in 0.0054% of alleles in individuals of European (Non-Finnish) descent in gnomAD. At this time, the clinical significance of this variant is uncertain due to the absence of conclusive functional and genetic evidence.